The following is an entry in ClinVar:

ClinVar aggregate classification (germline): Uncertain significance (1 of 4 stars; one submission).

Conditions:
Epidermolysis bullosa simplex 5C, with pyloric atresia (EBS5C). Also called: PLEC1-Related Epidermolysis Bullosa with Pyloric Atresia; Epidermolysis bullosa simplex with pyloric atresia; PLEC-Related Epidermolysis Bullosa with Pyloric Atresia. Identifiers: Orphanet 158684, MedGen C2677349, MONDO:0012807, OMIM 612138.
Autosomal recessive limb-girdle muscular dystrophy type 2Q (LGMDR17). Also called: MUSCULAR DYSTROPHY, LIMB-GIRDLE, AUTOSOMAL RECESSIVE 17. Identifiers: Orphanet 254361, MedGen C3150989, MONDO:0013390, OMIM 613723.
Epidermolysis bullosa simplex with nail dystrophy (EBS5D). Identifiers: MedGen C4225309, MONDO:0014661, OMIM 616487.
Epidermolysis bullosa simplex 5B, with muscular dystrophy (EBS5B). Also called: Epidermolysis bullosa simplex with muscular dystrophy; EPIDERMOLYSIS BULLOSA SIMPLEX AND LIMB-GIRDLE MUSCULAR DYSTROPHY. Identifiers: Orphanet 257, MedGen C2931072, MONDO:0009181, OMIM 226670.
Epidermolysis bullosa simplex, Ogna type (EBS5A). Also called: EPIDERMOLYSIS BULLOSA SIMPLEX 5A, OGNA TYPE; Pidermolysis bullosa simplex 5A, Ogna type. Identifiers: Orphanet 79401, MedGen C0432317, MONDO:0007555, OMIM 131950.

gnomAD v4.1: 105 of 1,600,348 alleles (0.0066%); highest among the groups gnomAD compares: Non-Finnish European, 0.008%; no homozygotes.

Submission:

Labcorp Genetics (formerly Invitae), Labcorp
Classification: Uncertain significance for Autosomal recessive limb-girdle muscular dystrophy type 2Q; Epidermolysis bullosa simplex, Ogna type; Epidermolysis bullosa simplex with nail dystrophy; Epidermolysis bullosa simplex 5C, with pyloric atresia; Epidermolysis bullosa simplex 5B, with muscular dystrophy. Last evaluated: 2026-01-20. Review status: criteria provided, single submitter. Criteria: Invitae Variant Classification Sherloc (09022015). Collection method: clinical testing. Allele origin: germline.
Comment: This sequence change replaces arginine, which is basic and polar, with tryptophan, which is neutral and slightly polar, at codon 1272 of the PLEC protein (p.Arg1272Trp). The frequency data for this variant in the population databases is considered unreliable, as metrics indicate poor data quality at this position in the gnomAD database. This variant has not been reported in the literature in individuals affected with PLEC-related conditions. ClinVar contains an entry for this variant (Variation ID: 842336). Invitae Evidence Modeling of protein sequence and biophysical properties (such as structural, functional, and spatial information, amino acid conservation, physicochemical variation, residue mobility, and thermodynamic stability) indicates that this missense variant is not expected to disrupt PLEC protein function with a negative predictive value of 80%. In summary, the available evidence is currently insufficient to determine the role of this variant in disease. Therefore, it has been classified as a Variant of Uncertain Significance.

NM_201384.3(PLEC):c.3733C>T (p.Arg1245Trp)

Gene: PLEC (plectin; minus strand). Cytogenetic location: 8q24.3.
Variant type: single nucleotide variant.
Coding change: c.3733C>T on transcript NM_201384.3 (MANE Select); coding-DNA position 3733, C replaced by T.
Protein change: p.Arg1245Trp; replaces arginine 1245 with tryptophan.
Molecular consequence: missense variant.
Genome position (GRCh38, 1-based): chr8:143,927,433, G>A on the plus strand (C>T on the coding strand, the complement: PLEC is on the minus strand). VCF-style: chr8-143927433-G-A. GRCh37 (hg19) VCF-style: chr8-145001601-G-A.
Other names: c.3814C>T, p.Arg1272Trp (NM_000445.5); c.3691C>T, p.Arg1231Trp (NM_201378.4); c.3667C>T, p.Arg1223Trp (NM_201379.3); c.4144C>T, p.Arg1382Trp (NM_201380.4); c.3637C>T, p.Arg1213Trp (NM_201381.3); c.3733C>T, p.Arg1245Trp (NM_201382.4); c.3745C>T, p.Arg1249Trp (NM_201383.3); short protein forms R1249W, R1213W, R1231W, R1245W, R1223W, R1272W, R1382W.
Identifiers: ClinVar variation 842336 (VCV000842336.7), dbSNP rs367688739, ClinGen allele CA4926970.
Genomic context (GRCh38, chr8:143,927,433, plus strand): 5'-ACGCCCAGCCGCCCCGTCCCCACCGACCCAAGCCCACCTGCTCCTGCCGCAGCTGCTCCC[G>A]CACAGCCTGGCTGTCGGCCAGCGGCATGGCCTGGATCTGCTCCTGCCGCCGCCTGGCGTC-3'
Protein context (NP_958786.1, residues 1235-1255): AMPLADSQAV[Arg1245Trp]EQLRQEQALL